The following is an entry in ClinVar:

NM_001312909.2(FAM111A):c.1145C>T (p.Thr382Ile)

Gene: FAM111A (FAM111 trypsin like peptidase A; plus strand). Cytogenetic location: 11q12.1.
Variant type: single nucleotide variant.
Coding change: c.1145C>T on transcript NM_001312909.2 (MANE Select); coding-DNA position 1145, C replaced by T.
Protein change: p.Thr382Ile; replaces threonine 382 with isoleucine.
Molecular consequence: missense variant.
Genome position (GRCh38, 1-based): chr11:59,152,813, C>T. VCF-style: chr11-59152813-C-T. GRCh37 (hg19) VCF-style: chr11-58920286-C-T.
Other names: c.1145C>T, p.Thr382Ile (NM_001142519.3, NM_001142520.3, NM_001142521.3 and 29 more transcripts); short protein forms T382I.
Identifiers: ClinVar variation 2789733 (VCV002789733.3), dbSNP rs1861867847, ClinGen allele CA380781292.
Genomic context (GRCh38, chr11:59,152,813, plus strand): 5'-GGGACAGTGCAACTACGGGTTACGCCACCTGCTTTGTTTTTAAAGGATTGTTCATTTTAA[C>T]TTGTCGGCATGTAATAGATAGCATTGTGGGAGACGGAATAGAGCCAAGTAAGTGGGCAAC-3'
Protein context (NP_001299838.1, residues 372-392): CFVFKGLFIL[Thr382Ile]CRHVIDSIVG

ClinVar aggregate classification (germline): Uncertain significance (1 of 4 stars; one submission).

Allele frequency attached by ClinVar (database versions not stated): TOPMed below 0.00001.

Submission:

Labcorp Genetics (formerly Invitae), Labcorp
Classification: Uncertain significance. Last evaluated: 2023-12-13. Review status: criteria provided, single submitter. Criteria: Invitae Variant Classification Sherloc (09022015). Collection method: clinical testing. Allele origin: germline.
Comment: This sequence change replaces threonine, which is neutral and polar, with isoleucine, which is neutral and non-polar, at codon 382 of the FAM111A protein (p.Thr382Ile). This variant is not present in population databases (gnomAD no frequency). This variant has not been reported in the literature in individuals affected with FAM111A-related conditions. Advanced modeling of protein sequence and biophysical properties (such as structural, functional, and spatial information, amino acid conservation, physicochemical variation, residue mobility, and thermodynamic stability) performed at Invitae indicates that this missense variant is expected to disrupt FAM111A protein function with a positive predictive value of 80%. In summary, the available evidence is currently insufficient to determine the role of this variant in disease. Therefore, it has been classified as a Variant of Uncertain Significance.